The following is an entry in ClinVar:

NM_006662.3(SRCAP):c.1338G>C (p.Glu446Asp)

Gene: SRCAP (Snf2 related CREBBP activator protein; plus strand). Cytogenetic location: 16p11.2.
Variant type: single nucleotide variant.
Coding change: c.1338G>C on transcript NM_006662.3 (MANE Select); coding-DNA position 1338, G replaced by C.
Protein change: p.Glu446Asp; replaces glutamic acid 446 with aspartic acid.
Molecular consequence: missense variant.
Genome position (GRCh38, 1-based): chr16:30,711,590, G>C. VCF-style: chr16-30711590-G-C. GRCh37 (hg19) VCF-style: chr16-30722911-G-C.
Other names: short protein forms E446D.
Identifiers: ClinVar variation 3375668 (VCV003375668.1).

ClinVar aggregate classification (germline): Uncertain significance (1 of 4 stars; one submission).

Submission:

GeneDx
Classification: Uncertain significance. Last evaluated: 2024-05-09. Review status: criteria provided, single submitter. Criteria: GeneDx Variant Classification Process June 2021. Collection method: clinical testing. Allele origin: germline. Affected: yes.
Comment: Not observed at significant frequency in large population cohorts (gnomAD); In silico analysis supports that this missense variant has a deleterious effect on protein structure/function; Has not been previously published as pathogenic or benign to our knowledge